The following is an entry in ClinVar:

ClinVar aggregate classification (germline): Benign/Likely benign. Review status: criteria provided, multiple submitters, no conflicts (2 of 4 stars). 16 submissions from 13 submitters: Benign (11); Likely benign (1). 4 of the submissions do not count toward it. Last evaluated 2026-02-02.

Conditions:
Autosomal recessive limb-girdle muscular dystrophy type 2J (LGMDR10). Also called: MUSCULAR DYSTROPHY, LIMB-GIRDLE, AUTOSOMAL RECESSIVE 10; Limb-girdle muscular dystrophy, type 2J. Identifiers: Orphanet 140922, MedGen C1837342, MONDO:0012127, OMIM 608807.
Dilated cardiomyopathy 1G (CMD1G). Identifiers: Orphanet 154, MedGen C1858763, MONDO:0011400, OMIM 604145.
Myopathy, myofibrillar, 9, with early respiratory failure (MFM9). Also called: EDSTROM MYOPATHY; MYOPATHY, PROXIMAL, WITH EARLY RESPIRATORY MUSCLE INVOLVEMENT; Myopathy, distal, with early respiratory failure, autosomal dominant; Hereditary myopathy with early respiratory failure. Identifiers: Orphanet 178464, Orphanet 34521, MedGen C1863599, MONDO:0011362, OMIM 603689.
Early-onset myopathy with fatal cardiomyopathy (CMYO5). Also called: CONGENITAL MYOPATHY 5 WITH CARDIOMYOPATHY; Salih Myopathy. Identifiers: Orphanet 289377, MedGen C2673677, MONDO:0012714, OMIM 611705. Disease mechanism: loss of function.
Tibial muscular dystrophy (TMD). Also called: UDD MYOPATHY; Udd Distal Myopathy – Tibial Muscular Dystrophy; Tibial muscular dystrophy, tardive. Identifiers: Orphanet 609, MedGen C1838244, MONDO:0010870, OMIM 600334.

Allele frequency attached by ClinVar (database versions not stated): gnomAD exomes 0.00078; ExAC 0.00096; ESP Exome Variant Server 0.00306; gnomAD 0.00339 and 0.00365; 1000 Genomes Project 30x 0.00344; 1000 Genomes Project 0.00359; TOPMed 0.00396.
gnomAD v4.1: 970 of 1,613,682 alleles (0.06%); highest among the groups gnomAD compares: African/African-American, 1.1%; 6 homozygotes.

Submissions (16):

Labcorp Genetics (formerly Invitae), Labcorp
Classification: Benign for Dilated cardiomyopathy 1G; Autosomal recessive limb-girdle muscular dystrophy type 2J. Last evaluated: 2026-02-02. Review status: criteria provided, single submitter. Criteria: Invitae Variant Classification Sherloc (09022015). Collection method: clinical testing. Allele origin: germline.

ARUP Laboratories, Molecular Genetics and Genomics, ARUP Laboratories
Classification: Benign. Last evaluated: 2025-05-20. Review status: criteria provided, single submitter. Criteria: ARUP Molecular Germline Variant Investigation Process 2024. Collection method: clinical testing. Allele origin: germline.

Molecular Diagnostic Laboratory for Inherited Cardiovascular Disease, Montreal Heart Institute
Classification: Benign. Last evaluated: 2025-04-09. Review status: criteria provided, single submitter. Criteria: ACMG Guidelines, 2015. Collection method: clinical testing. Allele origin: germline. Affected: no.

Blueprint Genetics
Classification: Likely benign. Last evaluated: 2024-10-18. Review status: criteria provided, single submitter. Criteria: ACMG Guidelines, 2015. Collection method: clinical testing. Allele origin: germline.

CeGaT Center for Human Genetics Tuebingen
Classification: Benign. Last evaluated: 2023-07-01. Review status: criteria provided, single submitter. Criteria: CeGaT Center For Human Genetics Tuebingen Variant Classification Criteria Version 2. Collection method: clinical testing. Allele origin: germline. Affected: yes. Observed: 1 variant allele.
Comment: TTN: BP4, BS1, BS2

Genome-Nilou Lab
Classification: Benign for Autosomal recessive limb-girdle muscular dystrophy type 2J. Last evaluated: 2021-09-10. Review status: criteria provided, single submitter. Criteria: ACMG Guidelines, 2015. Collection method: clinical testing. Allele origin: germline. Affected: no.

Genome-Nilou Lab
Classification: Benign for Myopathy, myofibrillar, 9, with early respiratory failure. Last evaluated: 2021-09-10. Review status: criteria provided, single submitter. Criteria: ACMG Guidelines, 2015. Collection method: clinical testing. Allele origin: germline. Affected: no.

Genome-Nilou Lab
Classification: Benign for Early-onset myopathy with fatal cardiomyopathy. Last evaluated: 2021-09-10. Review status: criteria provided, single submitter. Criteria: ACMG Guidelines, 2015. Collection method: clinical testing. Allele origin: germline. Affected: no.

Genome-Nilou Lab
Classification: Benign for Tibial muscular dystrophy. Last evaluated: 2021-09-10. Review status: criteria provided, single submitter. Criteria: ACMG Guidelines, 2015. Collection method: clinical testing. Allele origin: germline. Affected: no.

Laboratory for Molecular Medicine, Mass General Brigham Personalized Medicine
Classification: Benign. Last evaluated: 2015-11-09. Review status: criteria provided, single submitter. Criteria: LMM Criteria. Collection method: clinical testing. Allele origin: germline. Observed: 10 variant alleles.
Comment: p.Gln3447His in exon 44B of TTN: This variant is not expected to have clinical s ignificance because it has been identified in 1% (106/9800) of African chromosom es by the Exome Aggregation Consortium (ExAC; db SNP rs79466278).

GeneDx
Classification: Benign. Last evaluated: 2015-06-11. Review status: criteria provided, single submitter. Criteria: GeneDx Variant Classification (06012015). Collection method: clinical testing. Allele origin: germline. Affected: yes.
Comment: This variant is considered likely benign or benign based on one or more of the following criteria: it is a conservative change, it occurs at a poorly conserved position in the protein, it is predicted to be benign by multiple in silico algorithms, and/or has population frequency not consistent with disease.

Breakthrough Genomics
Classification: Benign. Review status: criteria provided, single submitter. Criteria: ACMG Guidelines, 2015. Collection method: not provided. Allele origin: germline. Inheritance: Autosomal recessive inheritance. Affected: yes.

Clinical Genetics DNA and cytogenetics Diagnostics Lab, Erasmus MC, Erasmus Medical Center
Classification: Benign. Review status: no assertion criteria provided. Collection method: clinical testing. Allele origin: germline. Affected: yes. Study: VKGL Data-share Consensus. Not counted in ClinVar's aggregate classification.

Clinical Genetics, Academic Medical Center
Classification: Benign. Review status: no assertion criteria provided. Collection method: clinical testing. Allele origin: germline. Affected: yes. Study: VKGL Data-share Consensus. Not counted in ClinVar's aggregate classification.

Joint Genome Diagnostic Labs from Nijmegen and Maastricht, Radboudumc and MUMC+
Classification: Benign. Review status: no assertion criteria provided. Collection method: clinical testing. Allele origin: germline. Affected: yes. Study: VKGL Data-share Consensus. Not counted in ClinVar's aggregate classification.

Laboratory of Diagnostic Genome Analysis, Leiden University Medical Center (LUMC)
Classification: Benign. Review status: no assertion criteria provided. Collection method: clinical testing. Allele origin: germline. Affected: yes. Study: VKGL Data-share Consensus. Not counted in ClinVar's aggregate classification.

NM_001267550.2(TTN):c.10854A>C (p.Gln3618His)

Gene: TTN (titin; minus strand). Cytogenetic location: 2q31.2.
Variant type: single nucleotide variant.
Coding change: c.10854A>C on transcript NM_001267550.2 (MANE Select); coding-DNA position 10854, A replaced by C.
Protein change: p.Gln3618His; replaces glutamine 3618 with histidine.
Molecular consequence: missense variant. On other transcripts: intron variant (5).
Genome position (GRCh38, 1-based): chr2:178,756,622, T>G on the plus strand (A>C on the coding strand, the complement: TTN is on the minus strand). VCF-style: chr2-178756622-T-G. GRCh37 (hg19) VCF-style: chr2-179621349-T-G.
Other names: p.Q3618H:CAA>CAC; c.10303+2362A>C (NM_001256850.1, NM_133378.4, NM_133379.5); c.10341A>C, p.Gln3447His (NM_133437.4); c.10165+2362A>C (NM_003319.4); c.10540+920A>C (NM_133432.3); short protein forms Q3618H, Q3447H.
Identifiers: ClinVar variation 47848 (VCV000047848.53), dbSNP rs79466278, ClinGen allele CA142032.